The following is an entry in ClinVar:

ClinVar aggregate classification (germline): Benign/Likely benign. Review status: criteria provided, multiple submitters, no conflicts (2 of 4 stars). 2 submissions from 2 submitters: Benign (1); Likely benign (1). Last evaluated 2025-06-03.

Allele frequency attached by ClinVar (database versions not stated): gnomAD 0.00002; gnomAD exomes 0.00002; ExAC 0.00002; TOPMed 0.00002.

Submissions (2):

Labcorp Genetics (formerly Invitae), Labcorp
Classification: Likely benign. Last evaluated: 2025-06-03. Review status: criteria provided, single submitter. Criteria: Invitae Variant Classification Sherloc (09022015). Collection method: clinical testing. Allele origin: germline.

Athena Diagnostics
Classification: Benign. Last evaluated: 2025-03-31. Review status: criteria provided, single submitter. Criteria: Athena Diagnostics Criteria. Collection method: clinical testing. Allele origin: unknown.
Comment: The frequency of this variant in the general population is higher than would generally be expected for pathogenic variants in this gene. Computational tools yielded predictions that this variant is unlikely to have an effect on normal RNA splicing. This nucleotide position exhibits low evolutionary conservation.

NM_000545.8(HNF1A):c.1401G>A (p.Pro467=)

Gene: HNF1A (HNF1 homeobox A; plus strand). Cytogenetic location: 12q24.31.
Variant type: single nucleotide variant.
Coding change: c.1401G>A on transcript NM_000545.8 (MANE Select); coding-DNA position 1401, G replaced by A.
Protein change: p.Pro467=; no amino-acid change (proline 467 retained).
Molecular consequence: synonymous variant. On other transcripts: intron variant (1).
Genome position (GRCh38, 1-based): chr12:120,997,565, G>A. VCF-style: chr12-120997565-G-A. GRCh37 (hg19) VCF-style: chr12-121435368-G-A.
Other names: c.1401G>A, p.Pro467= (NM_001306179.2); c.1309+823G>A (NM_001406915.1).
Identifiers: ClinVar variation 2977820 (VCV002977820.4), dbSNP rs754125455, ClinGen allele CA6832037.